The following is an entry in ClinVar:

ClinVar aggregate classification (germline): Uncertain significance (1 of 4 stars; one submission).

Conditions:
Early-infantile DEE. Also called: Early infantile epileptic encephalopathy with suppression bursts; Early infantile epileptic encephalopathy; Ohtahara syndrome. Identifiers: Orphanet 1934, MedGen C0393706, MONDO:0800491.

Allele frequency attached by ClinVar (database versions not stated): gnomAD 0.00001; TOPMed 0.00002.
gnomAD v4.1: 4 of 1,613,306 alleles (0.00025%); highest among the groups gnomAD compares: African/African-American, 0.004%; no homozygotes.

Submission:

Labcorp Genetics (formerly Invitae), Labcorp
Classification: Uncertain significance for Early-infantile DEE. Last evaluated: 2021-08-06. Review status: criteria provided, single submitter. Criteria: Invitae Variant Classification Sherloc (09022015). Collection method: clinical testing. Allele origin: germline.
Comment: This sequence change replaces serine with arginine at codon 446 of the ARHGEF15 protein (p.Ser446Arg). The serine residue is highly conserved and there is a moderate physicochemical difference between serine and arginine. This variant is not present in population databases (ExAC no frequency). This variant has not been reported in the literature in individuals with ARHGEF15-related disease. Algorithms developed to predict the effect of missense changes on protein structure and function do not agree on the potential impact of this missense change (SIFT: "Deleterious"; PolyPhen-2: "Probably Damaging"; Align-GVGD: "Class C0"). In summary, the available evidence is currently insufficient to determine the role of this variant in disease. Therefore, it has been classified as a Variant of Uncertain Significance.

NM_173728.4(ARHGEF15):c.1338C>A (p.Ser446Arg)

Gene: ARHGEF15 (Rho guanine nucleotide exchange factor 15; plus strand). Cytogenetic location: 17p13.1.
Variant type: single nucleotide variant.
Coding change: c.1338C>A on transcript NM_173728.4 (MANE Select); coding-DNA position 1338, C replaced by A.
Protein change: p.Ser446Arg; replaces serine 446 with arginine.
Molecular consequence: missense variant.
Genome position (GRCh38, 1-based): chr17:8,315,491, C>A. VCF-style: chr17-8315491-C-A. GRCh37 (hg19) VCF-style: chr17-8218809-C-A.
Other names: c.1338C>A, p.Ser446Arg (NM_025014.2); short protein forms S446R.
Identifiers: ClinVar variation 570025 (VCV000570025.9), dbSNP rs1051815618, ClinGen allele CA287571674.